The following is an entry in ClinVar:

NM_002354.3(EPCAM):c.568G>A (p.Val190Ile)

Gene: EPCAM (epithelial cell adhesion molecule; plus strand). Cytogenetic location: 2p21.
Variant type: single nucleotide variant.
Coding change: c.568G>A on transcript NM_002354.3 (MANE Select); coding-DNA position 568, G replaced by A.
Protein change: p.Val190Ile; replaces valine 190 with isoleucine.
Molecular consequence: missense variant.
Genome position (GRCh38, 1-based): chr2:47,378,965, G>A. VCF-style: chr2-47378965-G-A. GRCh37 (hg19) VCF-style: chr2-47606104-G-A.
Other names: short protein forms V190I.
Identifiers: ClinVar variation 2602077 (VCV002602077.3), dbSNP rs1671501271, ClinGen allele CA346724114.

ClinVar aggregate classification (germline): Uncertain significance (1 of 4 stars; one submission).

Conditions:
Hereditary cancer-predisposing syndrome. Also called: Tumor predisposition; Hereditary Cancer Syndrome; Hereditary neoplastic syndrome; Neoplastic Syndromes, Hereditary. Identifiers: Orphanet 140162, MedGen C0027672, MeSH D009386, MONDO:0015356.

Allele frequency attached by ClinVar (database versions not stated): TOPMed 0.00002.

Submission:

Ambry Genetics
Classification: Uncertain significance for Hereditary cancer-predisposing syndrome. Last evaluated: 2025-09-29. Review status: criteria provided, single submitter. Criteria: Ambry Variant Classification Scheme 2023. Collection method: clinical testing. Allele origin: germline.
Comment: The p.V190I variant (also known as c.568G>A), located in coding exon 6 of the EPCAM gene, results from a G to A substitution at nucleotide position 568. The valine at codon 190 is replaced by isoleucine, an amino acid with highly similar properties. This amino acid position is conserved. In addition, this alteration is predicted to be tolerated by in silico analysis. Since supporting evidence is limited at this time, the clinical significance of this alteration remains unclear.